The following is an entry in ClinVar:

ClinVar aggregate classification (germline): Pathogenic (1 of 4 stars; one submission).

Conditions:
Ehlers-Danlos syndrome, classic type, 1 (EDSCL1). Also called: EHLERS-DANLOS SYNDROME, GRAVIS TYPE; EHLERS-DANLOS SYNDROME, SEVERE CLASSIC TYPE; Ehlers-Danlos syndrome, type 1; Ehlers-Danlos Syndrome, Classic Type, COL5A1-Related; EDS I. Identifiers: MedGen C0268335, MONDO:0019567, OMIM 130000.
Osteogenesis imperfecta type I (OI1). Also called: OI, TYPE I; OSTEOGENESIS IMPERFECTA TARDA; OSTEOGENESIS IMPERFECTA WITH BLUE SCLERAE; Osteogenesis imperfecta type 1; Lobstein's Disease; Lobstein disease. Identifiers: Orphanet 216796, Orphanet 666, MedGen C0023931, MONDO:0008146, OMIM 166200. Disease mechanism: loss of function.

Submission:

Labcorp Genetics (formerly Invitae), Labcorp
Classification: Pathogenic for Osteogenesis imperfecta type I; Ehlers-Danlos syndrome, classic type, 1. Last evaluated: 2025-01-07. Review status: criteria provided, single submitter. Criteria: Invitae Variant Classification Sherloc (09022015). Collection method: clinical testing. Allele origin: germline.
Comment: This sequence change affects a donor splice site in intron 16 of the COL1A2 gene. It is expected to disrupt RNA splicing. Variants that disrupt the donor or acceptor splice site typically lead to a loss of protein function (PMID: 16199547), and loss-of-function variants in COL1A2 are known to be disease-causing for autosomal recessive COL1A2-related conditions (PMID: 15077201, 11288717). However, certain variants affecting donor or acceptor splice sites in the triple helical domain of COL1A2 are expected to result in in-frame exon skipping and have been reported to cause autosomal dominant COL1A2-related conditions (PMID: 17078022, 9295084). This variant is not present in population databases (gnomAD no frequency). Disruption of this splice site has been observed in individual(s) with autosomal dominant osteogenesis imperfecta (PMID: 8257992, 36709916). Algorithms developed to predict the effect of sequence changes on RNA splicing suggest that this variant may disrupt the consensus splice site. For these reasons, this variant has been classified as Pathogenic.

Literature cited by the submitters: PubMed 16199547; PubMed 15077201; PubMed 11288717; PubMed 17078022; PubMed 9295084; PubMed 8257992; PubMed 36709916.

NM_000089.4(COL1A2):c.792+1G>C

Gene: COL1A2 (collagen type I alpha 2 chain; plus strand). Cytogenetic location: 7q21.3.
Variant type: single nucleotide variant.
Coding change: c.792+1G>C on transcript NM_000089.4 (MANE Select); the canonical splice donor site of the intron after coding-DNA position 792, G replaced by C.
Molecular consequence: splice donor variant.
Genome position (GRCh38, 1-based): chr7:94,408,824, G>C. VCF-style: chr7-94408824-G-C. GRCh37 (hg19) VCF-style: chr7-94038136-G-C.
Identifiers: ClinVar variation 3760079 (VCV003760079.2).